The following is an entry in ClinVar:

NM_001367624.2(ZNF469):c.10326G>T (p.Arg3442Ser)

Gene: ZNF469 (zinc finger protein 469; plus strand). Cytogenetic location: 16q24.2.
Variant type: single nucleotide variant.
Coding change: c.10326G>T on transcript NM_001367624.2 (MANE Select); coding-DNA position 10326, G replaced by T.
Protein change: p.Arg3442Ser; replaces arginine 3442 with serine.
Molecular consequence: missense variant.
Genome position (GRCh38, 1-based): chr16:88,437,796, G>T. VCF-style: chr16-88437796-G-T. GRCh37 (hg19) VCF-style: chr16-88504204-G-T.
Other names: NM_001127464.1:c.10242G>T; NM_001127464.2:c.10242G>T; p.Arg3442Ser; short protein forms R3442S.
Identifiers: ClinVar variation 511466 (VCV000511466.27), dbSNP rs56236932, ClinGen allele CA8225495.
Genomic context (GRCh38, chr16:88,437,796, plus strand): 5'-CTGCAACTACACCTTCGCCAAGAAGGAGCAGTTCGACCGCCACATGAACAAGCACCTCAG[G>T]GGGGGGCGGCAGCCCTTCGCGTTCCGCGGCGTGCGGAGGCCGGGAGCGCCGGGACAGAAG-3'
Protein context (NP_001354553.1, residues 3432-3452): QFDRHMNKHL[Arg3442Ser]GGRQPFAFRG

ClinVar aggregate classification (germline): Conflicting classifications of pathogenicity. Review status: criteria provided, conflicting classifications (1 of 4 stars). 10 submissions from 10 submitters: Uncertain significance (2); Benign (2); Likely benign (6). Last evaluated 2026-02-02.

Conditions:
Cardiovascular phenotype. Identifiers: MedGen CN230736.
Ehlers-Danlos syndrome (EDS). Identifiers: Orphanet 98249, MedGen C0013720, MONDO:0020066.
Brittle cornea syndrome 1 (BCS1). Also called: DYSGENESIS MESODERMALIS CORNEAE ET SCLERAE; Corneal fragility keratoglobus, blue sclerae AND joint hypermobility; CORNEAL FRAGILITY, KERATOGLOBUS, BLUE SCLERAE, JOINT HYPEREXTENSIBILITY; EDS6B; FRAGILITAS OCULI WITH JOINT HYPEREXTENSIBILITY. Identifiers: Orphanet 90354, MedGen C0268344, MONDO:0024543, OMIM 229200.
ZNF469-related disorder. Also called: ZNF469-related condition.

Allele frequency attached by ClinVar (database versions not stated): TOPMed 0.00139; 1000 Genomes Project 0.00160; 1000 Genomes Project 30x 0.00187.
gnomAD v4.1: 1,300 of 1,546,354 alleles (0.084%); highest among the groups gnomAD compares: African/African-American, 0.4%; 4 homozygotes.

Submissions (10):

Labcorp Genetics (formerly Invitae), Labcorp
Classification: Likely benign. Last evaluated: 2026-02-02. Review status: criteria provided, single submitter. Criteria: Invitae Variant Classification Sherloc (09022015). Collection method: clinical testing. Allele origin: germline.

CeGaT Center for Human Genetics Tuebingen
Classification: Likely benign. Last evaluated: 2025-11-01. Review status: criteria provided, single submitter. Criteria: CeGaT Center For Human Genetics Tuebingen Variant Classification Criteria Version 2. Collection method: clinical testing. Allele origin: germline. Affected: yes. Observed: 1 variant allele.
Comment: ZNF469: BP4

Women's Health and Genetics/Laboratory Corporation of America, LabCorp
Classification: Likely benign. Last evaluated: 2025-10-08. Review status: criteria provided, single submitter. Criteria: LabCorp Variant Classification Summary - May 2015. Collection method: clinical testing. Allele origin: germline.
Comment: Variant summary: ZNF469 c.10326G>T (p.Arg3442Ser) results in a non-conservative amino acid change in the encoded protein sequence. Algorithms developed to predict the effect of missense changes on protein structure and function are either unavailable or do not agree on the potential impact of this missense change. The variant allele was found at a frequency of 0.00099 in 143872 control chromosomes, predominantly at a frequency of 0.0043 within the African or African-American subpopulation in the gnomAD database. The observed variant frequency within African or African-American control individuals in the gnomAD database exceeds the estimated maximal expected allele frequency for disease-causing variants in ZNF469. To our knowledge, no occurrence of c.10326G>T in individuals affected with ZNF469-related conditions and no experimental evidence demonstrating its impact on protein function have been reported. ClinVar contains an entry for this variant (Variation ID: 511466). Based on the evidence outlined above, the variant was classified as likely benign.

Blueprint Genetics
Classification: Likely benign. Last evaluated: 2024-10-31. Review status: criteria provided, single submitter. Criteria: ACMG Guidelines, 2015. Collection method: clinical testing. Allele origin: germline.

PreventionGenetics, part of Exact Sciences
Classification: Likely benign for ZNF469-related condition. Last evaluated: 2024-10-22. Review status: criteria provided, single submitter. Criteria: ACMG Guidelines, 2015. Collection method: clinical testing. Allele origin: germline.
Comment: This variant is classified as likely benign based on ACMG/AMP sequence variant interpretation guidelines (Richards et al. 2015 PMID: 25741868, with internal and published modifications).

Mayo Clinic Laboratories, Mayo Clinic
Classification: Benign. Last evaluated: 2023-12-20. Review status: criteria provided, single submitter. Criteria: ACMG Guidelines, 2015. Collection method: clinical testing. Allele origin: germline. Observed: 3 variant alleles.
Comment: BS1, BP4_strong

Genome Diagnostics Laboratory, The Hospital for Sick Children
Classification: Uncertain significance for Ehlers-Danlos syndrome. Last evaluated: 2022-06-14. Review status: criteria provided, single submitter. Criteria: ACMG Guidelines, 2015. Collection method: clinical testing. Allele origin: germline.

GeneDx
Classification: Likely benign. Last evaluated: 2020-12-14. Review status: criteria provided, single submitter. Criteria: GeneDx Variant Classification Process June 2021. Collection method: clinical testing. Allele origin: germline. Affected: yes.

Department of Pathology and Laboratory Medicine, Sinai Health System
Classification: Uncertain significance for Brittle cornea syndrome 1. Last evaluated: 2020-06-16. Review status: criteria provided, single submitter. Criteria: ACMG Guidelines, 2015. Collection method: research. Allele origin: germline.

Ambry Genetics
Classification: Benign for Cardiovascular phenotype. Last evaluated: 2019-12-09. Review status: criteria provided, single submitter. Criteria: Ambry Variant Classification Scheme 2023. Collection method: clinical testing. Allele origin: germline.